The following is an entry in ClinVar:

NM_032242.4(PLXNA1):c.4814C>T (p.Thr1605Met)

Gene: PLXNA1 (plexin A1; plus strand). Cytogenetic location: 3q21.3.
Variant type: single nucleotide variant.
Coding change: c.4814C>T on transcript NM_032242.4 (MANE Select); coding-DNA position 4814, C replaced by T.
Protein change: p.Thr1605Met; replaces threonine 1605 with methionine.
Molecular consequence: missense variant.
Genome position (GRCh38, 1-based): chr3:127,029,480, C>T. VCF-style: chr3-127029480-C-T. GRCh37 (hg19) VCF-style: chr3-126748323-C-T.
Other names: short protein forms T1605M.
Identifiers: ClinVar variation 4983164 (VCV004983164.1).

ClinVar aggregate classification (germline): Uncertain significance (1 of 4 stars; one submission).

Conditions:
PLXNA1-related disorder. Also called: PLXNA1-related condition.

gnomAD v4.1: 9 of 1,613,916 alleles (0.00056%); highest among the groups gnomAD compares: Non-Finnish European, 0.00059%; no homozygotes.

Submission:

PreventionGenetics, part of Exact Sciences
Classification: Uncertain significance for PLXNA1-related condition. Last evaluated: 2025-01-29. Review status: criteria provided, single submitter. Criteria: ACMG Guidelines, 2015. Collection method: clinical testing. Allele origin: germline.
Comment: The PLXNA1 c.4814C>T variant is predicted to result in the amino acid substitution p.Thr1605Met. To our knowledge, this variant has not been reported in the literature. This variant is reported in 0.0035% of alleles in individuals of European (Non-Finnish) descent in gnomAD. At this time, the clinical significance of this variant is uncertain due to the absence of conclusive functional and genetic evidence.